The following is an entry in ClinVar:

ClinVar aggregate classification (germline): Uncertain significance (1 of 4 stars; one submission).

Allele frequency attached by ClinVar (database versions not stated): gnomAD exomes below 0.00001; gnomAD 0.00001; TOPMed 0.00001.
gnomAD v4.1: 5 of 1,200,191 alleles (0.00042%); highest among the groups gnomAD compares: African/African-American, 0.0018%; no homozygotes.

Submission:

Labcorp Genetics (formerly Invitae), Labcorp
Classification: Uncertain significance. Last evaluated: 2023-07-16. Review status: criteria provided, single submitter. Criteria: Invitae Variant Classification Sherloc (09022015). Collection method: clinical testing. Allele origin: germline.
Comment: This variant is present in population databases (no rsID available, gnomAD 0.006%). In summary, the available evidence is currently insufficient to determine the role of this variant in disease. Therefore, it has been classified as a Variant of Uncertain Significance. An algorithm developed to predict the effect of missense changes on protein structure and function (PolyPhen-2) suggests that this variant is likely to be tolerated. This variant has not been reported in the literature in individuals affected with CLCN5-related conditions. This sequence change replaces lysine, which is basic and polar, with arginine, which is basic and polar, at codon 39 of the CLCN5 protein (p.Lys39Arg).

NM_001127898.4(CLCN5):c.326A>G (p.Lys109Arg)

Gene: CLCN5 (chloride voltage-gated channel 5; plus strand). Cytogenetic location: Xp11.23.
Variant type: single nucleotide variant.
Coding change: c.326A>G on transcript NM_001127898.4 (MANE Select); coding-DNA position 326, A replaced by G.
Protein change: p.Lys109Arg; replaces lysine 109 with arginine.
Molecular consequence: missense variant.
Genome position (GRCh38, 1-based): chrX:50,072,499, A>G. VCF-style: chrX-50072499-A-G. GRCh37 (hg19) VCF-style: chrX-49837154-A-G.
Other names: c.116A>G, p.Lys39Arg (NM_000084.5); c.326A>G, p.Lys109Arg (NM_001127899.4); c.176A>G, p.Lys59Arg (NM_001282163.2); short protein forms K39R, K109R, K59R.
Identifiers: ClinVar variation 2794710 (VCV002794710.3), dbSNP rs971256503, ClinGen allele CA329781723.